The following is an entry in ClinVar:

ClinVar aggregate classification (germline): Pathogenic. Review status: criteria provided, multiple submitters, no conflicts (2 of 4 stars). 2 submissions from 2 submitters: Pathogenic (2). Last evaluated 2020-09-09.

Conditions:
Hereditary breast ovarian cancer syndrome. Also called: Hereditary breast and ovarian cancer; Breast and ovarian cancer; BRCA1- and BRCA2-Associated Hereditary Breast and Ovarian Cancer; Hereditary breast and/or ovarian cancer syndrome; Hereditary breast and ovarian cancer syndrome; Hereditary breast and ovarian cancer syndrome (HBOC). Identifiers: Orphanet 145, MedGen C0677776, MeSH D061325, MONDO:0003582. Disease mechanism: loss of function.
Hereditary cancer-predisposing syndrome. Also called: Tumor predisposition; Hereditary neoplastic syndrome; Neoplastic Syndromes, Hereditary; Hereditary Cancer Syndrome. Identifiers: Orphanet 140162, MedGen C0027672, MeSH D009386, MONDO:0015356.

Submissions (2):

Labcorp Genetics (formerly Invitae), Labcorp
Classification: Pathogenic for Hereditary breast ovarian cancer syndrome. Last evaluated: 2020-09-09. Review status: criteria provided, single submitter. Criteria: Invitae Variant Classification Sherloc (09022015). Collection method: clinical testing. Allele origin: germline.
Comment: This sequence change creates a premature translational stop signal (p.Ser2247Lysfs*14) in the BRCA2 gene. It is expected to result in an absent or disrupted protein product. This variant is not present in population databases (ExAC no frequency). This variant has not been reported in the literature in individuals with BRCA2-related conditions. Loss-of-function variants in BRCA2 are known to be pathogenic (PMID: 20104584). For these reasons, this variant has been classified as Pathogenic.

Ambry Genetics
Classification: Pathogenic for Hereditary cancer-predisposing syndrome. Last evaluated: 2020-05-11. Review status: criteria provided, single submitter. Criteria: Ambry Variant Classification Scheme 2023. Collection method: clinical testing. Allele origin: germline.
Comment: The c.6739dupA pathogenic mutation, located in coding exon 10 of the BRCA2 gene, results from a duplication of A at nucleotide position 6739, causing a translational frameshift with a predicted alternate stop codon (p.S2247Kfs*14). This alteration is expected to result in loss of function by premature protein truncation or nonsense-mediated mRNA decay. As such, this alteration is interpreted as a disease-causing mutation.

Literature cited by the submitters: PubMed 20104584 (cited by Labcorp Genetics (formerly Invitae), Labcorp).

NM_000059.4(BRCA2):c.6739dup (p.Ser2247fs)

Gene: BRCA2 (BRCA2 DNA repair associated; plus strand). Cytogenetic location: 13q13.1.
Variant type: Duplication.
Coding change: c.6739dup on transcript NM_000059.4 (MANE Select); coding-DNA position 6739, one base duplicated (A; older notation c.6739dupA).
Protein change: p.Ser2247fs; shifts the reading frame from serine 2247.
Molecular consequence: frameshift variant.
Genome position (GRCh38, 1-based): chr13:32,341,094, A duplicated; the last of 2 consecutive A bases (chr13:32,341,093-32,341,094); duplicating either gives the same sequence. VCF-style (leftmost placement, unchanged base first): chr13-32341092-C-CA. GRCh37 (hg19) VCF-style: chr13-32915229-C-CA.
Other names: short protein forms S2247fs.
Identifiers: ClinVar variation 1076308 (VCV001076308.9), dbSNP rs2137530289, ClinGen allele CA2499222251.
Genomic context (GRCh38, chr13:32,341,092, plus strand): 5'-AAGCAGTAGAAATTGCTAAAGCTTTTATGGAAGATGATGAACTGACAGATTCTAAACTGC[C>CA]AAGTCATGCCACACATTCTCTTTTTACATGTCCCGAAAATGAGGAAATGGTTTTGTCAAA-3'